The following is an entry in ClinVar:

ClinVar aggregate classification (germline): Uncertain significance (1 of 4 stars; one submission).

Allele frequency attached by ClinVar (database versions not stated): TOPMed below 0.00001; gnomAD 0.00001.
gnomAD v4.1: 2 of 1,528,414 alleles (0.00013%); highest among the groups gnomAD compares: South Asian, 0.0013%; no homozygotes.

Submission:

Labcorp Genetics (formerly Invitae), Labcorp
Classification: Uncertain significance. Last evaluated: 2022-08-23. Review status: criteria provided, single submitter. Criteria: Invitae Variant Classification Sherloc (09022015). Collection method: clinical testing. Allele origin: germline.
Comment: In summary, the available evidence is currently insufficient to determine the role of this variant in disease. Therefore, it has been classified as a Variant of Uncertain Significance. Variants that disrupt the consensus splice site are a relatively common cause of aberrant splicing (PMID: 17576681, 9536098). Algorithms developed to predict the effect of sequence changes on RNA splicing suggest that this variant is not likely to affect RNA splicing. This variant has not been reported in the literature in individuals affected with SAMD11-related conditions. This variant is present in population databases (rs776954950, gnomAD 0.005%). This sequence change falls in intron 12 of the SAMD11 gene. It does not directly change the encoded amino acid sequence of the SAMD11 protein. It affects a nucleotide within the consensus splice site.

Literature cited by the submitters: PubMed 17576681; PubMed 9536098.

NM_001385641.1(SAMD11):c.2178+5G>A

Gene: SAMD11 (sterile alpha motif domain containing 11; plus strand). Cytogenetic location: 1p36.33.
Variant type: single nucleotide variant.
Coding change: c.2178+5G>A on transcript NM_001385641.1 (MANE Select); 5 bases into the intron after coding-DNA position 2178, G replaced by A.
Molecular consequence: intron variant.
Genome position (GRCh38, 1-based): chr1:943,382, G>A. VCF-style: chr1-943382-G-A. GRCh37 (hg19) VCF-style: chr1-878762-G-A.
Other names: c.2181+5G>A (NM_001385640.1); c.1689+5G>A (NM_152486.4).
Identifiers: ClinVar variation 2057387 (VCV002057387.2), dbSNP rs776954950, ClinGen allele CA503185.
Genomic context (GRCh38, chr1:943,382, plus strand): 5'-TGGATGACGTCTGCAGCTTCGTGGGGGGCCTGTCTGGCTGTGGAGAGTACACTCGGGTAA[G>A]GGGGGGCCCCAGTTCCTGGGGCGGGGCTGGAGCTGGCTGGCAGTCACTACCTCCCTGGAA-3'